The following is an entry in ClinVar:

NM_000322.5(PRPH2):c.408C>T (p.Asn136=)

Gene: PRPH2 (peripherin 2; minus strand). Cytogenetic location: 6p21.1.
Variant type: single nucleotide variant.
Coding change: c.408C>T on transcript NM_000322.5 (MANE Select); coding-DNA position 408, C replaced by T.
Protein change: p.Asn136=; no amino-acid change (asparagine 136 retained).
Molecular consequence: synonymous variant.
Genome position (GRCh38, 1-based): chr6:42,721,927, G>A on the plus strand (C>T on the coding strand, the complement: PRPH2 is on the minus strand). VCF-style: chr6-42721927-G-A. GRCh37 (hg19) VCF-style: chr6-42689665-G-A.
Other names: c.408C>T (NM_000322.4).
Identifiers: ClinVar variation 1115154 (VCV001115154.12), dbSNP rs148513859, ClinGen allele CA3808618.

ClinVar aggregate classification (germline): Likely benign. Review status: criteria provided, multiple submitters, no conflicts (2 of 4 stars). 3 submissions from 3 submitters: Likely benign (2). 1 of the submissions does not count toward it. Last evaluated 2025-12-03.

Conditions:
PRPH2-related disorder. Also called: PRPH2-related condition; PRPH2-related disorders. Identifiers: MedGen CN239395.

Allele frequency attached by ClinVar (database versions not stated): gnomAD 0.00003 and 0.00004; TOPMed 0.00005; ExAC 0.00006; ESP Exome Variant Server 0.00008.
gnomAD v4.1: 38 of 1,614,038 alleles (0.0024%); highest among the groups gnomAD compares: African/African-American, 0.0093%; no homozygotes.

Submissions (3):

Labcorp Genetics (formerly Invitae), Labcorp
Classification: Likely benign for PRPH2-related disorder. Last evaluated: 2025-12-03. Review status: criteria provided, single submitter. Criteria: Invitae Variant Classification Sherloc (09022015). Collection method: clinical testing. Allele origin: germline.

Blueprint Genetics
Classification: Likely benign. Last evaluated: 2022-06-03. Review status: criteria provided, single submitter. Criteria: ACMG Guidelines, 2015. Collection method: clinical testing. Allele origin: germline.

PreventionGenetics, part of Exact Sciences
Classification: Likely benign for PRPH2-related condition. Last evaluated: 2019-03-26. Review status: no assertion criteria provided. Collection method: clinical testing. Allele origin: germline. Not counted in ClinVar's aggregate classification.
Comment: This variant is classified as likely benign based on ACMG/AMP sequence variant interpretation guidelines (Richards et al. 2015 PMID: 25741868, with internal and published modifications).